The following is an entry in ClinVar:

ClinVar aggregate classification (germline): Uncertain significance (1 of 4 stars; one submission).

Conditions:
Dilated cardiomyopathy 1O (CMD1O). Also called: CARDIOMYOPATHY, DILATED, WITH VENTRICULAR TACHYCARDIA. Identifiers: Orphanet 154, MedGen C1837839, MONDO:0012062, OMIM 608569.

Allele frequency attached by ClinVar (database versions not stated): gnomAD exomes below 0.00001; ExAC 0.00001.
gnomAD v4.1: 6 of 1,596,974 alleles (0.00038%); highest among the groups gnomAD compares: African/African-American, 0.0027%; no homozygotes.

Submission:

Labcorp Genetics (formerly Invitae), Labcorp
Classification: Uncertain significance for Dilated cardiomyopathy 1O. Last evaluated: 2025-05-13. Review status: criteria provided, single submitter. Criteria: Invitae Variant Classification Sherloc (09022015). Collection method: clinical testing. Allele origin: germline.
Comment: This sequence change replaces arginine, which is basic and polar, with tryptophan, which is neutral and slightly polar, at codon 281 of the ABCC9 protein (p.Arg281Trp). This variant is present in population databases (rs746967404, gnomAD 0.0009%). This variant has not been reported in the literature in individuals affected with ABCC9-related conditions. ClinVar contains an entry for this variant (Variation ID: 2713283). Invitae Evidence Modeling of protein sequence and biophysical properties (such as structural, functional, and spatial information, amino acid conservation, physicochemical variation, residue mobility, and thermodynamic stability) indicates that this missense variant is not expected to disrupt ABCC9 protein function with a negative predictive value of 95%. In summary, the available evidence is currently insufficient to determine the role of this variant in disease. Therefore, it has been classified as a Variant of Uncertain Significance.

NM_020297.4(ABCC9):c.841C>T (p.Arg281Trp)

Gene: ABCC9 (ATP binding cassette subfamily C member 9; minus strand). Cytogenetic location: 12p12.1.
Variant type: single nucleotide variant.
Coding change: c.841C>T on transcript NM_020297.4 (MANE Select); coding-DNA position 841, C replaced by T.
Protein change: p.Arg281Trp; replaces arginine 281 with tryptophan.
Molecular consequence: missense variant. On other transcripts: 5 prime UTR variant (1).
Genome position (GRCh38, 1-based): chr12:21,913,042, G>A on the plus strand (C>T on the coding strand, the complement: ABCC9 is on the minus strand). VCF-style: chr12-21913042-G-A. GRCh37 (hg19) VCF-style: chr12-22065976-G-A.
Other names: c.841C>T, p.Arg281Trp (NM_001377273.1, NM_005691.4); c.-24C>T (NM_001377274.1); short protein forms R281W.
Identifiers: ClinVar variation 2713283 (VCV002713283.3), dbSNP rs746967404, ClinGen allele CA6481789.